The following is an entry in ClinVar:

ClinVar aggregate classification (germline): Benign/Likely benign. Review status: criteria provided, multiple submitters, no conflicts (2 of 4 stars). 8 submissions from 8 submitters: Benign (5); Likely benign (1). 2 of the submissions do not count toward it. Last evaluated 2026-02-04.

Conditions:
Microcephaly 3, primary, autosomal recessive. Identifiers: Orphanet 2512, MedGen C1858108, MONDO:0011488, OMIM 604804.

Allele frequency attached by ClinVar (database versions not stated): gnomAD exomes 0.11459 and 0.14701; ExAC 0.15039; ESP Exome Variant Server 0.18407; gnomAD 0.18720 and 0.18906; TOPMed 0.19784; 1000 Genomes Project 30x 0.22908; 1000 Genomes Project 0.23283.
gnomAD v4.1: 197,194 of 1,613,736 alleles (12%); highest among the groups gnomAD compares: African/African-American, 36%; 16,296 homozygotes.

Submissions (8):

Labcorp Genetics (formerly Invitae), Labcorp
Classification: Benign. Last evaluated: 2026-02-04. Review status: criteria provided, single submitter. Criteria: Invitae Variant Classification Sherloc (09022015). Collection method: clinical testing. Allele origin: germline.

Blueprint Genetics
Classification: Benign. Last evaluated: 2024-11-27. Review status: criteria provided, single submitter. Criteria: ACMG Guidelines, 2015. Collection method: clinical testing. Allele origin: germline.

Clinical Genetics DNA and cytogenetics Diagnostics Lab, Erasmus MC, Erasmus Medical Center
Classification: Benign for Microcephaly 3, primary, autosomal recessive. Last evaluated: 2017-06-28. Review status: criteria provided, single submitter. Criteria: ACGS Guidelines, 2013. Collection method: clinical testing. Allele origin: germline. Affected: yes. Study: VKGL Data-share Consensus.

GeneDx
Classification: Benign. Last evaluated: 2013-12-18. Review status: criteria provided, single submitter. Criteria: GeneDx Variant Classification (06012015). Collection method: clinical testing. Allele origin: germline. Affected: yes.
Comment: This variant is considered likely benign or benign based on one or more of the following criteria: it is a conservative change, it occurs at a poorly conserved position in the protein, it is predicted to be benign by multiple in silico algorithms, and/or has population frequency not consistent with disease.

Genetic Services Laboratory, University of Chicago
Classification: Benign. Last evaluated: 2013-02-08. Review status: criteria provided, single submitter. Criteria: ACMG Guidelines, 2007. Collection method: clinical testing. Allele origin: germline. Inheritance: Autosomal recessive inheritance.

Breakthrough Genomics
Classification: Likely benign. Review status: criteria provided, single submitter. Criteria: ACMG Guidelines, 2015. Collection method: not provided. Allele origin: germline. Inheritance: Autosomal recessive inheritance. Affected: yes.

Diagnostic Laboratory, Department of Genetics, University Medical Center Groningen
Classification: Benign for Microcephaly 3, primary, autosomal recessive. Review status: no assertion criteria provided. Collection method: clinical testing. Allele origin: germline. Affected: yes. Study: VKGL Data-share Consensus. Not counted in ClinVar's aggregate classification.

Joint Genome Diagnostic Labs from Nijmegen and Maastricht, Radboudumc and MUMC+
Classification: Benign. Review status: no assertion criteria provided. Collection method: clinical testing. Allele origin: germline. Affected: yes. Study: VKGL Data-share Consensus. Not counted in ClinVar's aggregate classification.

NM_018249.6(CDK5RAP2):c.2274T>C (p.Asp758=)

Gene: CDK5RAP2 (CDK5 regulatory subunit associated protein 2; minus strand). Cytogenetic location: 9q33.2.
Variant type: single nucleotide variant.
Coding change: c.2274T>C on transcript NM_018249.6 (MANE Select); coding-DNA position 2274, T replaced by C.
Protein change: p.Asp758=; no amino-acid change (aspartic acid 758 retained).
Molecular consequence: synonymous variant. On other transcripts: non-coding transcript variant (5), intron variant (1).
Genome position (GRCh38, 1-based): chr9:120,458,551, A>G on the plus strand (T>C on the coding strand, the complement: CDK5RAP2 is on the minus strand). VCF-style: chr9-120458551-A-G. GRCh37 (hg19) VCF-style: chr9-123220829-A-G.
Other names: p.D758D:GAT>GAC; c.2274T>C, p.Asp758= (NM_001011649.3); c.2103+9309T>C (NM_001272039.2).
Identifiers: ClinVar variation 136705 (VCV000136705.21), dbSNP rs2501727, ClinGen allele CA171565.